The following is an entry in ClinVar:

ClinVar aggregate classification (germline): Uncertain significance (1 of 4 stars; one submission).

Submission:

Labcorp Genetics (formerly Invitae), Labcorp
Classification: Uncertain significance. Last evaluated: 2021-03-19. Review status: criteria provided, single submitter. Criteria: Invitae Variant Classification Sherloc (09022015). Collection method: clinical testing. Allele origin: germline.
Comment: In summary, the available evidence is currently insufficient to determine the role of this variant in disease. Therefore, it has been classified as a Variant of Uncertain Significance. Algorithms developed to predict the effect of missense changes on protein structure and function are either unavailable or do not agree on the potential impact of this missense change (SIFT: "Tolerated"; PolyPhen-2: "Possibly Damaging"; Align-GVGD: "Class C0"). This variant has not been reported in the literature in individuals with ERBB2-related conditions. This variant is not present in population databases (ExAC no frequency). This sequence change replaces proline with alanine at codon 945 of the ERBB2 protein (p.Pro945Ala). The proline residue is highly conserved and there is a small physicochemical difference between proline and alanine.

NM_004448.4(ERBB2):c.2833C>G (p.Pro945Ala)

Gene: ERBB2 (erb-b2 receptor tyrosine kinase 2; plus strand). Cytogenetic location: 17q12.
Variant type: single nucleotide variant.
Coding change: c.2833C>G on transcript NM_004448.4 (MANE Select); coding-DNA position 2833, C replaced by G.
Protein change: p.Pro945Ala; replaces proline 945 with alanine.
Molecular consequence: missense variant. On other transcripts: non-coding transcript variant (1), intron variant (1).
Genome position (GRCh38, 1-based): chr17:39,725,814, C>G. VCF-style: chr17-39725814-C-G. GRCh37 (hg19) VCF-style: chr17-37882067-C-G.
Other names: c.2743C>G, p.Pro915Ala (NM_001005862.3, NM_001382782.1, NM_001382783.1); c.2788C>G, p.Pro930Ala (NM_001289936.2); c.2833C>G, p.Pro945Ala (NM_001289937.2, NM_001382796.1); c.2950C>G, p.Pro984Ala (NM_001382784.1); c.2935C>G, p.Pro979Ala (NM_001382785.1); c.2914C>G, p.Pro972Ala (NM_001382786.1); c.2908C>G, p.Pro970Ala (NM_001382787.1); c.2863C>G, p.Pro955Ala (NM_001382788.1); and 15 more; short protein forms P669A, P883A, P885A, P929A, P945A, P955A, P912A, P931A.
Identifiers: ClinVar variation 1464692 (VCV001464692.8), dbSNP rs772452342, ClinGen allele CA399307175.